The following is an entry in ClinVar:

ClinVar aggregate classification (germline): Uncertain significance (1 of 4 stars; one submission).

Submission:

Labcorp Genetics (formerly Invitae), Labcorp
Classification: Uncertain significance. Last evaluated: 2022-06-27. Review status: criteria provided, single submitter. Criteria: Invitae Variant Classification Sherloc (09022015). Collection method: clinical testing. Allele origin: germline.
Comment: In summary, the available evidence is currently insufficient to determine the role of this variant in disease. Therefore, it has been classified as a Variant of Uncertain Significance. Variants that disrupt the consensus splice site are a relatively common cause of aberrant splicing (PMID: 17576681, 9536098). Algorithms developed to predict the effect of sequence changes on RNA splicing suggest that this variant may disrupt the consensus splice site. This variant has not been reported in the literature in individuals affected with SETD5-related conditions. This variant is not present in population databases (gnomAD no frequency). This sequence change affects codon 594 of the SETD5 mRNA. It is a 'silent' change, meaning that it does not change the encoded amino acid sequence of the SETD5 protein. This variant also falls at the last nucleotide of exon 14, which is part of the consensus splice site for this exon.

Literature cited by the submitters: PubMed 17576681; PubMed 9536098.

NM_001080517.3(SETD5):c.1782G>C (p.Gly594=)

Gene: SETD5 (SET domain containing 5; plus strand). Cytogenetic location: 3p25.3.
Variant type: single nucleotide variant.
Coding change: c.1782G>C on transcript NM_001080517.3 (MANE Select); coding-DNA position 1782, G replaced by C.
Protein change: p.Gly594=; no amino-acid change (glycine 594 retained).
Molecular consequence: synonymous variant.
Genome position (GRCh38, 1-based): chr3:9,447,307, G>C. VCF-style: chr3-9447307-G-C. GRCh37 (hg19) VCF-style: chr3-9488991-G-C.
Other names: c.1488G>C, p.Gly496= (NM_001292043.2, NM_001349451.2).
Identifiers: ClinVar variation 2011647 (VCV002011647.4), dbSNP rs2472944174, ClinGen allele CA432383720.